The following is an entry in ClinVar:

ClinVar aggregate classification (germline): Uncertain significance (1 of 4 stars; one submission).

Allele frequency attached by ClinVar (database versions not stated): gnomAD exomes below 0.00001; TOPMed below 0.00001.
gnomAD v4.1: 2 of 1,612,922 alleles (0.00012%); highest among the groups gnomAD compares: Admixed American, 0.0033%; no homozygotes.

Submission:

Labcorp Genetics (formerly Invitae), Labcorp
Classification: Uncertain significance. Last evaluated: 2023-06-21. Review status: criteria provided, single submitter. Criteria: Invitae Variant Classification Sherloc (09022015). Collection method: clinical testing. Allele origin: germline.
Comment: This sequence change replaces glycine, which is neutral and non-polar, with aspartic acid, which is acidic and polar, at codon 2418 of the FN1 protein (p.Gly2418Asp). This variant is present in population databases (no rsID available, gnomAD 0.003%). This variant has not been reported in the literature in individuals affected with FN1-related conditions. An algorithm developed to predict the effect of missense changes on protein structure and function (PolyPhen-2) suggests that this variant is likely to be disruptive. In summary, the available evidence is currently insufficient to determine the role of this variant in disease. Therefore, it has been classified as a Variant of Uncertain Significance.

NM_212482.4(FN1):c.7253G>A (p.Gly2418Asp)

Genes: ATIC (5-aminoimidazole-4-carboxamide ribonucleotide formyltransferase/IMP cyclohydrolase; plus strand), FN1 (fibronectin 1; minus strand). Cytogenetic location: 2q35.
Variant type: single nucleotide variant.
Coding change: c.7253G>A on transcript NM_212482.4 (MANE Select); coding-DNA position 7253, G replaced by A.
Protein change: p.Gly2418Asp; replaces glycine 2418 with aspartic acid.
Molecular consequence: missense variant.
Genome position (GRCh38, 1-based): chr2:215,362,078, C>T on the plus strand (G>A on the coding strand, the complement: FN1 is on the minus strand). VCF-style: chr2-215362078-C-T. GRCh37 (hg19) VCF-style: chr2-216226801-C-T.
Other names: c.6905G>A, p.Gly2302Asp (NM_001365520.2); c.6890G>A, p.Gly2297Asp (NM_001365521.2); c.6815G>A, p.Gly2272Asp (NM_001365522.2); c.6635G>A, p.Gly2212Asp (NM_001365523.2); c.6620G>A, p.Gly2207Asp (NM_001365524.2); c.6887G>A, p.Gly2296Asp (NM_002026.4); c.6350G>A, p.Gly2117Asp (NM_212474.3); c.6710G>A, p.Gly2237Asp (NM_212476.3); and 8 more; short protein forms G2208D, G2237D, G2272D, G2297D, G2328D, G2117D, G2181D, G2206D.
Identifiers: ClinVar variation 2955225 (VCV002955225.3), dbSNP rs1270873193, ClinGen allele CA350461969.